The following is an entry in ClinVar:

ClinVar aggregate classification (germline): Uncertain significance (1 of 4 stars; one submission).

Conditions:
Developmental and epileptic encephalopathy, 2 (DEE2). Also called: INFANTILE SPASM SYNDROME, X-LINKED 2; CDKL5 deficiency disorder. Identifiers: Orphanet 1934, Orphanet 3451, Orphanet 505652, MedGen C4750718, MONDO:0010396, OMIM 300672.
Angelman syndrome-like. Identifiers: MedGen CN128785.

Submission:

Labcorp Genetics (formerly Invitae), Labcorp
Classification: Uncertain significance for Developmental and epileptic encephalopathy, 2; Angelman syndrome-like. Last evaluated: 2023-05-16. Review status: criteria provided, single submitter. Criteria: Invitae Variant Classification Sherloc (09022015). Collection method: clinical testing. Allele origin: germline.
Comment: This sequence change replaces serine, which is neutral and polar, with glycine, which is neutral and non-polar, at codon 514 of the CDKL5 protein (p.Ser514Gly). This variant is not present in population databases (gnomAD no frequency). This variant has not been reported in the literature in individuals affected with CDKL5-related conditions. Advanced modeling of protein sequence and biophysical properties (such as structural, functional, and spatial information, amino acid conservation, physicochemical variation, residue mobility, and thermodynamic stability) performed at Invitae indicates that this missense variant is not expected to disrupt CDKL5 protein function. Algorithms developed to predict the effect of sequence changes on RNA splicing suggest that this variant may create or strengthen a splice site. In summary, the available evidence is currently insufficient to determine the role of this variant in disease. Therefore, it has been classified as a Variant of Uncertain Significance.

NM_001323289.2(CDKL5):c.1540A>G (p.Ser514Gly)

Gene: CDKL5 (cyclin dependent kinase like 5; plus strand). Cytogenetic location: Xp22.13.
Variant type: single nucleotide variant.
Coding change: c.1540A>G on transcript NM_001323289.2 (MANE Select); coding-DNA position 1540, A replaced by G.
Protein change: p.Ser514Gly; replaces serine 514 with glycine.
Molecular consequence: missense variant.
Genome position (GRCh38, 1-based): chrX:18,604,464, A>G. VCF-style: chrX-18604464-A-G. GRCh37 (hg19) VCF-style: chrX-18622584-A-G.
Other names: c.1540A>G, p.Ser514Gly (NM_001037343.2, NM_003159.3); short protein forms S514G.
Identifiers: ClinVar variation 2947814 (VCV002947814.3), dbSNP rs2518874736, ClinGen allele CA412361478.